The following is an entry in ClinVar:

NM_020822.3(KCNT1):c.4C>T (p.Pro2Ser)

Gene: KCNT1 (potassium sodium-activated channel subfamily T member 1; plus strand). Cytogenetic location: 9q34.3.
Variant type: single nucleotide variant.
Coding change: c.4C>T on transcript NM_020822.3 (MANE Select); coding-DNA position 4, C replaced by T.
Protein change: p.Pro2Ser; replaces proline 2 with serine.
Molecular consequence: missense variant.
Genome position (GRCh38, 1-based): chr9:135,702,262, C>T. VCF-style: chr9-135702262-C-T. GRCh37 (hg19) VCF-style: chr9-138594108-C-T.
Other names: c.4C>T, p.Pro2Ser (NM_001272003.2); short protein forms P2S.
Identifiers: ClinVar variation 964279 (VCV000964279.10), dbSNP rs748898708, ClinGen allele CA375492492.

ClinVar aggregate classification (germline): Uncertain significance (1 of 4 stars; one submission).

Conditions:
Autosomal dominant nocturnal frontal lobe epilepsy 5. Also called: Epilepsy, nocturnal frontal lobe, 5; CILIARY DYSKINESIA, PRIMARY, 28, WITH SITUS INVERSUS; KCNT1-Related Epilepsy; CILIARY DYSKINESIA, PRIMARY, 28, WITHOUT SITUS INVERSUS. Identifiers: Orphanet 98784, MedGen C3554306, MONDO:0014002, OMIM 615005.
Developmental and epileptic encephalopathy, 14 (DEE14). Also called: Early infantile epileptic encephalopathy 14. Identifiers: Orphanet 293181, MedGen C3554195, MONDO:0013989, OMIM 614959.

Submission:

Labcorp Genetics (formerly Invitae), Labcorp
Classification: Uncertain significance for Autosomal dominant nocturnal frontal lobe epilepsy 5; Developmental and epileptic encephalopathy, 14. Last evaluated: 2022-07-19. Review status: criteria provided, single submitter. Criteria: Invitae Variant Classification Sherloc (09022015). Collection method: clinical testing. Allele origin: germline.
Comment: In summary, the available evidence is currently insufficient to determine the role of this variant in disease. Therefore, it has been classified as a Variant of Uncertain Significance. Advanced modeling of protein sequence and biophysical properties (such as structural, functional, and spatial information, amino acid conservation, physicochemical variation, residue mobility, and thermodynamic stability) performed at Invitae indicates that this missense variant is not expected to disrupt KCNT1 protein function. ClinVar contains an entry for this variant (Variation ID: 964279). This variant has not been reported in the literature in individuals affected with KCNT1-related conditions. This variant is not present in population databases (gnomAD no frequency). This sequence change replaces proline, which is neutral and non-polar, with serine, which is neutral and polar, at codon 2 of the KCNT1 protein (p.Pro2Ser).